The following continues an entry in ClinVar:

NM_000059.4(BRCA2):c.7529T>C (p.Leu2510Pro)

Gene: BRCA2. ClinVar aggregate classification (germline): Pathogenic/Likely pathogenic. Pathogenic (5); Likely pathogenic (6).

Submissions 8 to 14 of 14:

Color Diagnostics, LLC DBA Color Health
Classification: Likely pathogenic for Hereditary cancer-predisposing syndrome. Last evaluated: 2023-06-15. Review status: criteria provided, single submitter. Criteria: ACMG Guidelines, 2015. Collection method: clinical testing. Allele origin: germline.
Comment: This missense variant replaces leucine with proline at codon 2510 of the BRCA2 protein. Computational prediction suggests that this variant may have deleterious impact on protein structure and function (internally defined REVEL score threshold >= 0.7, PMID: 27666373). Functional studies have reported that this variant impacts BRCA2 function in a homology-directed repair assay (PMID: 23108138, 29394989, 29884841, 33609447) and severely disrupts BRCA2 function in the rescue of viability, chromosomal aberrations and sensitivities to DNA damaging agents in Brca2-deficient mouse embryonic stem cells (PMID: 21719596). However, a mouse model for this missense mutation and aforementioned mouse ES cell study suggest that this variant protein retains some activity and may be hypomorphic (PMID: 21719596, 35365640). This variant has been reported in one individual each affected with breast cancer (PMID: 33302456) and liver cancer (PMID: 32957395), and it has been detected in a breast cancer case-control meta-analysis in 3/60466 cases and 1/53461 unaffected individuals (PMID: 33471991; Leiden Open Variation Database DB-ID BRCA2_000205). This variant also has been reported in two siblings affected with biallelic Fanconi anemia who carried a pathogenic BRCA2 truncation variant in trans (PMID: 14670928). This variant has not been identified in the general population by the Genome Aggregation Database (gnomAD). Based on the available evidence, this variant is classified as Likely Pathogenic.

Clinical Genetics Laboratory, Skane University Hospital Lund
Classification: Likely pathogenic. Last evaluated: 2022-05-27. Review status: criteria provided, single submitter. Criteria: ACMG Guidelines, 2015. Collection method: clinical testing. Allele origin: germline. Affected: yes.

GeneDx
Classification: Pathogenic. Last evaluated: 2022-02-04. Review status: criteria provided, single submitter. Criteria: GeneDx Variant Classification Process June 2021. Collection method: clinical testing. Allele origin: germline. Affected: yes.
Comment: Published functional studies demonstrate a damaging effect: deficient homology-directed DNA repair activity, hypersensitivity to DNA-damaging agents, deficiency in RAD51 foci formation; however reduced viability of rescued embryonic stem cells suggests this may be a hypomorphic variant (Biswas 2011, Guidugli 2018, Hart 2019, Richardson 2021); Not observed in large population cohorts (gnomAD); In silico analysis supports that this missense variant does not alter protein structure/function; Also known as 7757T>C; This variant is associated with the following publications: (PMID: 23108138, 15645491, 22678057, 24301060, 16825431, 16115142, 25447315, 21719596, 29394989, 15689453, 32042831, 33609447, 29884841, 32957395, 12228710, 14670928)

Cancer Variant Interpretation Group UK, Institute of Cancer Research, London
Classification: Pathogenic for Hereditary Breast and Ovarian Cancer. Last evaluated: 2018-10-09. Review status: criteria provided, single submitter. Criteria: ACMG Guidelines, 2015. Collection method: curation. Allele origin: germline.
Comment: Data used in classification: The frequency of this variant is 0/138,632 individuals in gnomAD (PM2_mod). This variant is predicted deleterious on AlignGVGD (class: C65), SIFT (Deleterious), Polyphen2 HumVar (probably damaging) and CADD (25.1) (PP3-sup). The variant is in the DNA-binding domain of BRCA2 (PM1_sup). In the BRCA2 Homology-Directed Repair Activity assay for the DNA Binding Domain (Guidugli et al Cancer Res 2013;73:265-275,Couch Lab), the variant has a probability of pathogenicity of 1.0 (PS3_strong). This variant has been reported in trans with another BRCA2 variant to cause Fanconi Anaemia (Hirsch et al Blood 2004; 103:2554-2559) (PM3_mod). This variant is classified on ClinVar as likely pathogenic by 2 accredited USA diagnostic laboratories (Ambry Genetics and GeneDx) (PP5_sup). Data not used in classification: There are additional reports of this variant in BIC (2), and BRCA2 LOVD (2).

BRCAlab, Lund University
Classification: Likely pathogenic for Breast-ovarian cancer, familial, susceptibility to, 2. Last evaluated: 2020-03-02. Review status: no assertion criteria provided. Collection method: clinical testing. Allele origin: germline. Affected: yes. Not counted in ClinVar's aggregate classification.

OMIM
Classification: Pathogenic for FANCONI ANEMIA, COMPLEMENTATION GROUP D1. Last evaluated: 2004-04-01. Review status: no assertion criteria provided. Collection method: literature only. Allele origin: germline. Not counted in ClinVar's aggregate classification.

Breast Cancer Information Core (BIC) (BRCA2)
Classification: Uncertain significance for Breast-ovarian cancer, familial 2. Last evaluated: 2003-12-23. Review status: no assertion criteria provided. Collection method: clinical testing. Allele origin: germline. Affected: yes. Observed: 2 variant alleles. Not counted in ClinVar's aggregate classification.

Literature cited by the submitters: PubMed 14670928 (cited by 7 submitters); PubMed 16825431 (cited by Ambry Genetics and Women's Health and Genetics/Laboratory Corporation of America, LabCorp); PubMed 21719596 (cited by 6 submitters); PubMed 23108138 (cited by 6 submitters); PubMed 29394989 (cited by 5 submitters); PubMed 29884841 (cited by 4 submitters); PubMed 33609447 (cited by 4 submitters); PubMed 33302456 (cited by 4 submitters); PubMed 32957395 (cited by 4 submitters); PubMed 33471991 (cited by 3 submitters); PubMed 35736817 (cited by Women's Health and Genetics/Laboratory Corporation of America, LabCorp); PubMed 36721989 (cited by Women's Health and Genetics/Laboratory Corporation of America, LabCorp); PubMed 35365640 (cited by All of Us Research Program, National Institutes of Health and Color Diagnostics, LLC DBA Color Health).